The following is an entry in ClinVar:

ClinVar aggregate classification (germline): Benign (1 of 4 stars; one submission).

Conditions:
Leigh syndrome (NULS). Also called: Leigh's necrotizing encephalopathy; Leigh's disease; Leigh Syndrome (mtDNA deletion); Leigh Disease; Subacute necrotizing encephalopathy; Necrotizing encephalopathy infantile subacute of Leigh. Identifiers: Orphanet 506, MedGen C2931891, MONDO:0009723, OMIM 256000.

Submission:

Wong Mito Lab, Molecular and Human Genetics, Baylor College of Medicine
Classification: Benign for Leigh syndrome. Last evaluated: 2019-10-17. Review status: criteria provided, single submitter. Criteria: Modified ACMG Guidelines (Unpublished). Collection method: clinical testing. Allele origin: germline.
Comment: The NC_012920.1:m.8875T>C (YP_003024031.1:p.Phe117Leu) variant in MTATP6 gene is interpretated to be a Benign variant based on the modified ACMG guidelines (unpublished). This variant meets the following evidence codes: BS1, BS2, BP4

NC_012920.1(MT-ATP6):m.8875T>C

Gene: MT-ATP6 (mitochondrially encoded ATP synthase 6; plus strand).
Variant type: single nucleotide variant.
Genome position: chrM-8875-T-C.
Identifiers: ClinVar variation 693012 (VCV000693012.1), dbSNP rs201123510, ClinGen allele CA337098097.
Genomic context (GRCh38, chrMT:8,875, plus strand): 5'-CAACTATCTATAAACCTAGCCATGGCCATCCCCTTATGAGCGGGCACAGTGATTATAGGC[T>C]TTCGCTCTAAGATTAAAAATGCCCTAGCCCACTTCTTACCACAAGGCACACCTACACCCC-3'